The following is an entry in ClinVar:

NM_000152.5(GAA):c.1456G>C (p.Ala486Pro)

Gene: GAA (alpha glucosidase; plus strand). Cytogenetic location: 17q25.3.
Variant type: single nucleotide variant.
Coding change: c.1456G>C on transcript NM_000152.5 (MANE Select); coding-DNA position 1456, G replaced by C.
Protein change: p.Ala486Pro; replaces alanine 486 with proline.
Molecular consequence: missense variant.
Genome position (GRCh38, 1-based): chr17:80,110,745, G>C. VCF-style: chr17-80110745-G-C. GRCh37 (hg19) VCF-style: chr17-78084544-G-C.
Other names: NM_001079804.3:c.1456G>C; c.1456G>C, p.Ala486Pro (NM_001079803.3, NM_001079804.3, NM_001406741.1 and 1 more transcripts); short protein forms A486P.
Identifiers: ClinVar variation 2675751 (VCV002675751.6), dbSNP rs1283045273, ClinGen allele CA401366835.

ClinVar aggregate classification (germline): Likely pathogenic. Review status: reviewed by expert panel (3 of 4 stars). 4 submissions from 4 submitters: Likely pathogenic (1). 3 of the submissions do not count toward it. Last evaluated 2026-04-06.

Conditions:
Glycogen storage disease, type II (IOPD). Also called: CARDIOMEGALIA GLYCOGENICA DIFFUSA; GLYCOGENOSIS, GENERALIZED, CARDIAC FORM; GSD II; Glycogen storage disease type 2; Acid maltase deficiency disease; Aglucosidase alfa. Identifiers: Orphanet 365, MedGen C0017921, MONDO:0009290, OMIM 232300.

Allele frequency attached by ClinVar (database versions not stated): gnomAD exomes below 0.00001; TOPMed below 0.00001; gnomAD 0.00001.
gnomAD v4.1: 2 of 1,613,938 alleles (0.00012%); highest among the groups gnomAD compares: Non-Finnish European, 0.00017%; no homozygotes.

Submissions (4):

ClinGen Lysosomal Storage Disorder Variant Curation Expert Panel
Classification: Likely pathogenic for Glycogen storage disease, type II. Last evaluated: 2026-04-06. Review status: reviewed by expert panel. Criteria: clingen_lsd_acmg_specifications_v2-1. Collection method: curation. Allele origin: germline. Inheritance: Autosomal recessive inheritance.
Comment: The NM_000152.5:c.1456G>C variant in GAA is a missense variant predicted to cause substitution of alanine by proline at amino acid 486 (p.Ala486Pro). At least four individuals with this variant have been reported to have a diagnosis of Pompe disease. One individual was reported to have clinical features consistent with infantile-onset Pompe disease (IOPD), was on enzyme replacement therapy for Pompe disease, and was homozygous for this variant (PMIDs: 25626711, 27927596) (PP4_Moderate). Three individuals were reported to have late-onset Pompe disease (LOPD), but the reported information did not meet criteria for PP4. All three individuals with a diagnosis of LOPD were compound heterozygous for the variant and c.-32-13T>G, which is classified as pathogenic by the ClinGen LD VCEP, phase unconfirmed (PMIDs: 19588081, 26350092, 40714860) (PM3). The highest population minor allele frequency in gnomAD v4.1.0. is 0.000001695 (2/1180014 alleles) in the European (non-Finnish) population, which is lower than the ClinGen Lysosomal Diseases VCEP’s threshold for PM2_Supporting (<0.001), meeting this criterion (PM2_Supporting). Expression of the variant in COS-7 or HEK293 cells resulted in 0% wild type GAA activity in cells and 3.0% in medium and evidence of abnormal GAA synthesis and processing on Western blot, leading the variant to be described as Class B (“potentially less severe”), indicating that this variant may impact protein function (PMID: 22644586) (PS3_Moderate). Additionally, the computational predictor REVEL gives a score of 0.765, which is above the threshold of 0.7, evidence that correlates with impact to GAA function (PP3). Three other missense variants in the same codon (c.1456G>A (p.Ala486Thr), c.1456G>T (p.Ala486Ser), and c.1457C>T (p.Ala486Val)) have been reported in ClinVar. However, these variants have not yet been evaluated by the ClinGen Lysosomal Diseases VCEP (PM5 not met). In summary, this variant meets the criteria to be classified as likely pathogenic for Pompe disease based on the GAA-specific ACMG/AMP criteria applied, as specified by the ClinGen Lysosomal Diseases Variant Curation Expert Panel (specifications Version 2.0): PS3_Moderate, PM2_Supporting, PM3, PP3, PP4_Moderate. (Classififcation approved by the ClinGen Lysosomal Diseases Variant Curation Expert Panel on April 6, 2026)

Genomenon, Inc
Classification: Likely pathogenic for Glycogen storage disease, type II. Last evaluated: 2026-07-01. Review status: criteria provided, single submitter. Criteria: Genomenon Sequence Variant Interpretation Standards - Updated. Collection method: curation. Allele origin: germline. Affected: yes. Not counted in ClinVar's aggregate classification.
Comment: GAA p.Ala486Pro (c.1456G>C) is a missense variant that changes the amino acid at codon 486 from Alanine to Proline. This variant has been observed in at least one proband with a GAA-related disorder in the compound heterozygous and/or homozygous state (PMID:25626711;26350092;19588081). At least one functional study has demonstrated a substantial alteration in protein function relative to the wild-type (PMID:22644586). It is absent or not present at a significant frequency in gnomAD. In silico models predict that this variant is possibly or probably damaging. In conclusion, we classify GAA p.Ala486Pro (c.1456G>C) as a likely pathogenic variant.

Baylor Genetics
Classification: Likely pathogenic for Glycogen storage disease, type II. Last evaluated: 2023-10-30. Review status: criteria provided, single submitter. Criteria: ACMG Guidelines, 2015. Collection method: clinical testing. Allele origin: unknown. Not counted in ClinVar's aggregate classification.

Labcorp Genetics (formerly Invitae), Labcorp
Classification: Likely pathogenic for Glycogen storage disease, type II. Last evaluated: 2023-06-21. Review status: criteria provided, single submitter. Criteria: Invitae Variant Classification Sherloc (09022015). Collection method: clinical testing. Allele origin: germline. Not counted in ClinVar's aggregate classification.
Comment: In summary, the currently available evidence indicates that the variant is pathogenic, but additional data are needed to prove that conclusively. Therefore, this variant has been classified as Likely Pathogenic. Experimental studies have shown that this missense change affects GAA function (PMID: 22644586). Advanced modeling of protein sequence and biophysical properties (such as structural, functional, and spatial information, amino acid conservation, physicochemical variation, residue mobility, and thermodynamic stability) performed at Invitae indicates that this missense variant is expected to disrupt GAA protein function. This missense change has been observed in individuals with Pompe disease (PMID: 19588081, 22644586, 26350092). This variant is not present in population databases (gnomAD no frequency). This sequence change replaces alanine, which is neutral and non-polar, with proline, which is neutral and non-polar, at codon 486 of the GAA protein (p.Ala486Pro).

Literature cited by the submitters: PubMed 25626711 (cited by Genomenon, Inc); PubMed 26350092 (cited by Genomenon, Inc and Labcorp Genetics (formerly Invitae), Labcorp); PubMed 19588081 (cited by Genomenon, Inc and Labcorp Genetics (formerly Invitae), Labcorp); PubMed 22644586 (cited by Genomenon, Inc and Labcorp Genetics (formerly Invitae), Labcorp).